The following is an entry in ClinVar:

NM_015650.4(IFT54):c.366C>T (p.Asp122=)

Gene: IFT54 (intraflagellar transport 54; plus strand). Cytogenetic location: 2q37.3.
Variant type: single nucleotide variant.
Coding change: c.366C>T on transcript NM_015650.4 (MANE Select); coding-DNA position 366, C replaced by T.
Protein change: p.Asp122=; no amino-acid change (aspartic acid 122 retained).
Molecular consequence: synonymous variant.
Genome position (GRCh38, 1-based): chr2:238,328,697, C>T. VCF-style: chr2-238328697-C-T. GRCh37 (hg19) VCF-style: chr2-239237338-C-T.
Other names: c.366C>T, p.Asp122= (NM_001139490.1); c.366C>T (NM_015650.3).
Identifiers: ClinVar variation 1122475 (VCV001122475.13), dbSNP rs752459680, ClinGen allele CA2198042.

ClinVar aggregate classification (germline): Likely benign. Review status: criteria provided, multiple submitters, no conflicts (2 of 4 stars). 3 submissions from 3 submitters: Likely benign (2). 1 of the submissions does not count toward it. Last evaluated 2025-04-28.

Conditions:
TRAF3IP1-related disorder. Also called: TRAF3IP1-related condition.

Allele frequency attached by ClinVar (database versions not stated): gnomAD 0.00001 and 0.00003; gnomAD exomes 0.00001 and 0.00002; ExAC 0.00002; TOPMed 0.00002; 1000 Genomes Project 30x 0.00016.
gnomAD v4.1: 21 of 1,613,652 alleles (0.0013%); highest among the groups gnomAD compares: Middle Eastern, 0.05%; no homozygotes.

Submissions (3):

Labcorp Genetics (formerly Invitae), Labcorp
Classification: Likely benign. Last evaluated: 2025-04-28. Review status: criteria provided, single submitter. Criteria: Invitae Variant Classification Sherloc (09022015). Collection method: clinical testing. Allele origin: germline.

Blueprint Genetics
Classification: Likely benign. Last evaluated: 2024-07-04. Review status: criteria provided, single submitter. Criteria: ACMG Guidelines, 2015. Collection method: clinical testing. Allele origin: germline.

PreventionGenetics, part of Exact Sciences
Classification: Likely benign for TRAF3IP1-related condition. Last evaluated: 2019-08-26. Review status: no assertion criteria provided. Collection method: clinical testing. Allele origin: germline. Not counted in ClinVar's aggregate classification.
Comment: This variant is classified as likely benign based on ACMG/AMP sequence variant interpretation guidelines (Richards et al. 2015 PMID: 25741868, with internal and published modifications).